The following is an entry in ClinVar:

ClinVar aggregate classification (germline): Uncertain significance. Review status: criteria provided, multiple submitters, no conflicts (2 of 4 stars). 2 submissions from 2 submitters: Uncertain significance (2). Last evaluated 2025-07-28.

Conditions:
Hereditary cancer-predisposing syndrome. Also called: Neoplastic Syndromes, Hereditary; Tumor predisposition; Hereditary Cancer Syndrome; Hereditary neoplastic syndrome. Identifiers: Orphanet 140162, MedGen C0027672, MeSH D009386, MONDO:0015356.

Allele frequency attached by ClinVar (database versions not stated): gnomAD exomes below 0.00001.

Submissions (2):

Ambry Genetics
Classification: Uncertain significance for Hereditary cancer-predisposing syndrome. Last evaluated: 2025-07-28. Review status: criteria provided, single submitter. Criteria: Ambry Variant Classification Scheme 2023. Collection method: clinical testing. Allele origin: germline.
Comment: The p.L601I variant (also known as c.1801C>A), located in coding exon 12 of the RAD50 gene, results from a C to A substitution at nucleotide position 1801. The leucine at codon 601 is replaced by isoleucine, an amino acid with highly similar properties. This amino acid position is highly conserved in available vertebrate species. In addition, this alteration is predicted to be tolerated by in silico analysis. Since supporting evidence is limited at this time, the clinical significance of this alteration remains unclear.

Labcorp Genetics (formerly Invitae), Labcorp
Classification: Uncertain significance for Hereditary cancer-predisposing syndrome. Last evaluated: 2018-04-13. Review status: criteria provided, single submitter. Criteria: Invitae Variant Classification Sherloc (09022015). Collection method: clinical testing. Allele origin: germline.
Comment: This sequence change replaces leucine with isoleucine at codon 601 of the RAD50 protein (p.Leu601Ile). The leucine residue is moderately conserved and there is a small physicochemical difference between leucine and isoleucine. This variant is not present in population databases (ExAC no frequency). This variant has not been reported in the literature in individuals with RAD50-related disease. ClinVar contains an entry for this variant (Variation ID: 484709). Algorithms developed to predict the effect of missense changes on protein structure and function (SIFT, PolyPhen-2, Align-GVGD) all suggest that this variant is likely to be tolerated, but these predictions have not been confirmed by published functional studies and their clinical significance is uncertain. In summary, the available evidence is currently insufficient to determine the role of this variant in disease. Therefore, it has been classified as a Variant of Uncertain Significance.

NM_005732.4(RAD50):c.1801C>A (p.Leu601Ile)

Gene: RAD50 (RAD50 double strand break repair protein; plus strand). Cytogenetic location: 5q31.1.
Variant type: single nucleotide variant.
Coding change: c.1801C>A on transcript NM_005732.4 (MANE Select); coding-DNA position 1801, C replaced by A.
Protein change: p.Leu601Ile; replaces leucine 601 with isoleucine.
Molecular consequence: missense variant.
Genome position (GRCh38, 1-based): chr5:132,594,876, C>A. VCF-style: chr5-132594876-C-A. GRCh37 (hg19) VCF-style: chr5-131930568-C-A.
Other names: short protein forms L601I.
Identifiers: ClinVar variation 484709 (VCV000484709.14), dbSNP rs1277380677, ClinGen allele CA360947380.